The following is an entry in ClinVar:

ClinVar aggregate classification (germline): Likely benign (1 of 4 stars; one submission).

gnomAD v4.1: 1 of 1,595,108 alleles (0.000063%); highest among the groups gnomAD compares: Admixed American, 0.0017%; no homozygotes.

Submission:

Mayo Clinic Laboratories, Mayo Clinic
Classification: Likely benign. Last evaluated: 2025-02-24. Review status: criteria provided, single submitter. Criteria: ACMG Guidelines, 2015. Collection method: clinical testing. Allele origin: germline. Observed: 1 variant allele.
Comment: BP4, BP7

NM_001364905.1(LRBA):c.7866G>A (p.Val2622=)

Gene: LRBA (LPS responsive beige-like anchor protein; minus strand). Cytogenetic location: 4q31.3.
Variant type: single nucleotide variant.
Coding change: c.7866G>A on transcript NM_001364905.1 (MANE Select); coding-DNA position 7866, G replaced by A.
Protein change: p.Val2622=; no amino-acid change (valine 2622 retained).
Molecular consequence: synonymous variant.
Genome position (GRCh38, 1-based): chr4:150,302,776, C>T on the plus strand (G>A on the coding strand, the complement: LRBA is on the minus strand). VCF-style: chr4-150302776-C-T. GRCh37 (hg19) VCF-style: chr4-151223928-C-T.
Other names: p.Val2633=; c.7866G>A, p.Val2622= (NM_001199282.3); c.7881G>A, p.Val2627= (NM_001367550.1, NM_001440431.1); c.7914G>A, p.Val2638= (NM_001440430.1); c.1584G>A, p.Val528= (NM_001440432.1); c.1578G>A, p.Val526= (NM_001440433.1); c.7899G>A, p.Val2633= (NM_006726.5).
Identifiers: ClinVar variation 4684809 (VCV004684809.1).